The following is an entry in ClinVar:

NM_198282.4(STING1):c.658C>T (p.Arg220Cys)

Gene: STING1 (stimulator of interferon response cGAMP interactor 1; minus strand). Cytogenetic location: 5q31.2.
Variant type: single nucleotide variant.
Coding change: c.658C>T on transcript NM_198282.4 (MANE Select); coding-DNA position 658, C replaced by T.
Protein change: p.Arg220Cys; replaces arginine 220 with cysteine.
Molecular consequence: missense variant.
Genome position (GRCh38, 1-based): chr5:139,478,371, G>A on the plus strand (C>T on the coding strand, the complement: STING1 is on the minus strand). VCF-style: chr5-139478371-G-A. GRCh37 (hg19) VCF-style: chr5-138857956-G-A.
Other names: c.658C>T, p.Arg220Cys (NM_001301738.2); c.301C>T, p.Arg101Cys (NM_001367258.1); short protein forms R220C, R101C.
Identifiers: ClinVar variation 2729634 (VCV002729634.4), dbSNP rs1352824531, ClinGen allele CA361480071.
Genomic context (GRCh38, chr5:139,478,371, plus strand): 5'-AAACCCGATCCTTGATGCCAGCATGGTCACCGGTCTGCTGGGGCAGTTTATCCAGGAAGC[G>A]AATGTTGGGGTCAGCCATACTCAGGTTATCAGGCACCCCACAGTCCAATGGGAGGAGAAT-3'
Protein context (NP_938023.1, residues 210-230): DNLSMADPNI[Arg220Cys]FLDKLPQQTG

ClinVar aggregate classification (germline): Uncertain significance. Review status: criteria provided, multiple submitters, no conflicts (2 of 4 stars). 2 submissions from 2 submitters: Uncertain significance (2). Last evaluated 2023-02-27.

Conditions:
STING-associated vasculopathy with onset in infancy. Also called: Sting-associated vasculopathy, infantile-onset. Identifiers: Orphanet 425120, MedGen C4014722, MONDO:0014405, OMIM 615934.

Allele frequency attached by ClinVar (database versions not stated): gnomAD exomes 0.00001; TOPMed 0.00001.
gnomAD v4.1: 19 of 1,614,174 alleles (0.0012%); highest among the groups gnomAD compares: East Asian, 0.0022%; no homozygotes.

Submissions (2):

Labcorp Genetics (formerly Invitae), Labcorp
Classification: Uncertain significance for STING-associated vasculopathy with onset in infancy. Last evaluated: 2023-02-27. Review status: criteria provided, single submitter. Criteria: Invitae Variant Classification Sherloc (09022015). Collection method: clinical testing. Allele origin: germline.
Comment: This sequence change replaces arginine, which is basic and polar, with cysteine, which is neutral and slightly polar, at codon 220 of the TMEM173 protein (p.Arg220Cys). In summary, the available evidence is currently insufficient to determine the role of this variant in disease. Therefore, it has been classified as a Variant of Uncertain Significance. Advanced modeling of protein sequence and biophysical properties (such as structural, functional, and spatial information, amino acid conservation, physicochemical variation, residue mobility, and thermodynamic stability) performed at Invitae indicates that this missense variant is not expected to disrupt TMEM173 protein function. This variant is present in population databases (no rsID available, gnomAD 0.003%). This variant has not been reported in the literature in individuals affected with TMEM173-related conditions.

Blueprint Genetics
Classification: Uncertain significance. Last evaluated: 2021-11-24. Review status: criteria provided, single submitter. Criteria: ACMG Guidelines, 2015. Collection method: clinical testing. Allele origin: germline.